The following is an entry in ClinVar:

ClinVar aggregate classification (germline): Uncertain significance (1 of 4 stars; one submission).

Submission:

Labcorp Genetics (formerly Invitae), Labcorp
Classification: Uncertain significance. Last evaluated: 2023-12-01. Review status: criteria provided, single submitter. Criteria: Invitae Variant Classification Sherloc (09022015). Collection method: clinical testing. Allele origin: germline.
Comment: This sequence change replaces aspartic acid, which is acidic and polar, with tyrosine, which is neutral and polar, at codon 237 of the PSMG2 protein (p.Asp237Tyr). This variant is not present in population databases (gnomAD no frequency). This variant has not been reported in the literature in individuals affected with PSMG2-related conditions. An algorithm developed to predict the effect of missense changes on protein structure and function (PolyPhen-2) suggests that this variant is likely to be tolerated. Algorithms developed to predict the effect of sequence changes on RNA splicing suggest that this variant may disrupt the consensus splice site. In summary, the available evidence is currently insufficient to determine the role of this variant in disease. Therefore, it has been classified as a Variant of Uncertain Significance.

NM_020232.5(PSMG2):c.709G>T (p.Asp237Tyr)

Gene: PSMG2 (proteasome assembly chaperone 2; plus strand). Cytogenetic location: 18p11.21.
Variant type: single nucleotide variant.
Coding change: c.709G>T on transcript NM_020232.5 (MANE Select); coding-DNA position 709, G replaced by T.
Protein change: p.Asp237Tyr; replaces aspartic acid 237 with tyrosine.
Molecular consequence: missense variant.
Genome position (GRCh38, 1-based): chr18:12,725,445, G>T. VCF-style: chr18-12725445-G-T. GRCh37 (hg19) VCF-style: chr18-12725444-G-T.
Other names: c.616G>T, p.Asp206Tyr (NM_147163.2); short protein forms D206Y, D237Y.
Identifiers: ClinVar variation 2783057 (VCV002783057.3), dbSNP rs2510999450, ClinGen allele CA401971215.